The following is an entry in ClinVar:

ClinVar aggregate classification (germline): Uncertain significance (1 of 4 stars; one submission).

Conditions:
Multiple acyl-CoA dehydrogenase deficiency (MADD). Also called: Glutaric Acidemia type 2; ETHYLMALONIC-ADIPICACIDURIA; GA II; Glutaric aciduria, type 2; Glutaric acidemia type II; GA 2. Identifiers: Orphanet 26791, MedGen C0268596, MONDO:0009282, OMIM 231680.

Allele frequency attached by ClinVar (database versions not stated): gnomAD exomes below 0.00001.
gnomAD v4.1: 1 of 1,612,878 alleles (0.000062%); highest among the groups gnomAD compares: Non-Finnish European, 0.000085%; no homozygotes.

Submission:

Labcorp Genetics (formerly Invitae), Labcorp
Classification: Uncertain significance for Multiple acyl-CoA dehydrogenase deficiency. Last evaluated: 2022-06-14. Review status: criteria provided, single submitter. Criteria: Invitae Variant Classification Sherloc (09022015). Collection method: clinical testing. Allele origin: germline.
Comment: In summary, the available evidence is currently insufficient to determine the role of this variant in disease. Therefore, it has been classified as a Variant of Uncertain Significance. Algorithms developed to predict the effect of missense changes on protein structure and function are either unavailable or do not agree on the potential impact of this missense change (SIFT: "Tolerated"; PolyPhen-2: "Possibly Damaging"; Align-GVGD: "Class C0"). This variant has not been reported in the literature in individuals affected with ETFA-related conditions. This variant is not present in population databases (gnomAD no frequency). This sequence change replaces glutamic acid, which is acidic and polar, with lysine, which is basic and polar, at codon 161 of the ETFA protein (p.Glu161Lys).

NM_000126.4(ETFA):c.481G>A (p.Glu161Lys)

Gene: ETFA (electron transfer flavoprotein subunit alpha; minus strand). Cytogenetic location: 15q24.2.
Variant type: single nucleotide variant.
Coding change: c.481G>A on transcript NM_000126.4 (MANE Select); coding-DNA position 481, G replaced by A.
Protein change: p.Glu161Lys; replaces glutamic acid 161 with lysine.
Molecular consequence: missense variant.
Genome position (GRCh38, 1-based): chr15:76,286,452, C>T on the plus strand (G>A on the coding strand, the complement: ETFA is on the minus strand). VCF-style: chr15-76286452-C-T. GRCh37 (hg19) VCF-style: chr15-76578793-C-T.
Other names: c.334G>A, p.Glu112Lys (NM_001127716.2); short protein forms E112K, E161K.
Identifiers: ClinVar variation 2006749 (VCV002006749.4), dbSNP rs2543023611, ClinGen allele CA393513728.